The following is an entry in ClinVar:

ClinVar aggregate classification (germline): Uncertain significance. Review status: criteria provided, multiple submitters, no conflicts (2 of 4 stars). 2 submissions from 2 submitters: Uncertain significance (2). Last evaluated 2022-11-17.

Conditions:
Diamond-Blackfan anemia. Also called: Blackfan Diamond syndrome; Aregenerative anemia chronic congenital; Red cell aplasia, pure hereditary; Congenital hypoplastic anemia; Aase syndrome. Identifiers: Orphanet 124, MedGen C1260899, MeSH D029503, MONDO:0015253, HP:0004810.

Submissions (2):

Labcorp Genetics (formerly Invitae), Labcorp
Classification: Uncertain significance for Diamond-Blackfan anemia. Last evaluated: 2022-11-17. Review status: criteria provided, single submitter. Criteria: Invitae Variant Classification Sherloc (09022015). Collection method: clinical testing. Allele origin: germline.
Comment: This variant has not been reported in the literature in individuals affected with RPL11-related conditions. Variants that disrupt the consensus splice site are a relatively common cause of aberrant splicing (PMID: 17576681, 9536098). Algorithms developed to predict the effect of sequence changes on RNA splicing suggest that this variant may disrupt the consensus splice site. In summary, the available evidence is currently insufficient to determine the role of this variant in disease. Therefore, it has been classified as a Variant of Uncertain Significance. This sequence change falls in intron 5 of the RPL11 gene. It does not directly change the encoded amino acid sequence of the RPL11 protein. It affects a nucleotide within the consensus splice site. This variant is not present in population databases (gnomAD no frequency).

Ambry Genetics
Classification: Uncertain significance for Diamond-Blackfan anemia. Last evaluated: 2016-11-23. Review status: criteria provided, single submitter. Criteria: Ambry Variant Classification Scheme 2023. Collection method: clinical testing. Allele origin: germline.
Comment: The c.508-3C>G intronic variant results from a C to G substitution 3 nucleotides upstream from coding exon 6 in the RPL11 gene. This variant was not reported in population based cohorts in the following databases: Database of Single Nucleotide Polymorphisms (dbSNP), NHLBI Exome Sequencing Project (ESP), and 1000 Genomes Project. In the ESP, this variant was not observed in 6503 samples (13006 alleles) with coverage at this position. This nucleotide position is highly conserved in available vertebrate species. Using two different splice site prediction tools, this alteration is predicted by BDGP to abolish the native splice acceptor site, but is predicted to weaken (but not abolish) the efficiency of the native splice acceptor site by ESEfinder; however, direct evidence is unavailable. Since supporting evidence is limited at this time, the clinical significance of this alteration remains unclear.

Literature cited by the submitters: PubMed 17576681 (cited by Labcorp Genetics (formerly Invitae), Labcorp); PubMed 9536098 (cited by Labcorp Genetics (formerly Invitae), Labcorp).

NM_000975.5(RPL11):c.508-3C>G

Gene: RPL11 (ribosomal protein L11; plus strand). Cytogenetic location: 1p36.11.
Variant type: single nucleotide variant.
Coding change: c.508-3C>G on transcript NM_000975.5 (MANE Select); 3 bases into the intron before coding-DNA position 508, C replaced by G.
Molecular consequence: intron variant.
Genome position (GRCh38, 1-based): chr1:23,696,341, C>G. VCF-style: chr1-23696341-C-G. GRCh37 (hg19) VCF-style: chr1-24022831-C-G.
Other names: c.505-3C>G (NM_001199802.1).
Identifiers: ClinVar variation 1745233 (VCV001745233.5), dbSNP rs1046934447, ClinGen allele CA2580061514.